The following is an entry in ClinVar:

NM_004136.4(IREB2):c.723T>G (p.Asn241Lys)

Gene: IREB2 (iron responsive element binding protein 2; plus strand). Cytogenetic location: 15q25.1.
Variant type: single nucleotide variant.
Coding change: c.723T>G on transcript NM_004136.4 (MANE Select); coding-DNA position 723, T replaced by G.
Protein change: p.Asn241Lys; replaces asparagine 241 with lysine.
Molecular consequence: missense variant. On other transcripts: 5 prime UTR variant (1).
Genome position (GRCh38, 1-based): chr15:78,471,764, T>G. VCF-style: chr15-78471764-T-G. GRCh37 (hg19) VCF-style: chr15-78764106-T-G.
Other names: c.-28T>G (NM_001320941.2); c.552T>G, p.Asn184Lys (NM_001320942.2, NM_001354994.2); c.723T>G, p.Asn241Lys (NM_001320943.2); short protein forms N184K, N241K.
Identifiers: ClinVar variation 2187673 (VCV002187673.1), dbSNP rs145927005, ClinGen allele CA7682786.

ClinVar aggregate classification (germline): Uncertain significance (1 of 4 stars; one submission).

Allele frequency attached by ClinVar (database versions not stated): ExAC 0.00014; ESP Exome Variant Server 0.00031; 1000 Genomes Project 30x 0.00094; 1000 Genomes Project 0.00100.
gnomAD v4.1: 78 of 1,609,114 alleles (0.0048%); highest among the groups gnomAD compares: African/African-American, 0.1%; 1 homozygote.

Submission:

Labcorp Genetics (formerly Invitae), Labcorp
Classification: Uncertain significance. Last evaluated: 2022-10-05. Review status: criteria provided, single submitter. Criteria: Invitae Variant Classification Sherloc (09022015). Collection method: clinical testing. Allele origin: germline.
Comment: This sequence change replaces asparagine, which is neutral and polar, with lysine, which is basic and polar, at codon 241 of the IREB2 protein (p.Asn241Lys). This variant is present in population databases (rs145927005, gnomAD 0.1%). This variant has not been reported in the literature in individuals affected with IREB2-related conditions. Algorithms developed to predict the effect of missense changes on protein structure and function are either unavailable or do not agree on the potential impact of this missense change (SIFT: "Not Available"; PolyPhen-2: "Possibly Damaging"; Align-GVGD: "Not Available"). In summary, the available evidence is currently insufficient to determine the role of this variant in disease. Therefore, it has been classified as a Variant of Uncertain Significance.